The following is an entry in ClinVar:

ClinVar aggregate classification (germline): Likely benign (0 of 4 stars; one submission).

Conditions:
CACNA1I-related disorder. Also called: CACNA1I-related condition.

Allele frequency attached by ClinVar (database versions not stated): ESP Exome Variant Server 0.00008; gnomAD 0.00011; TOPMed 0.00012; ExAC 0.00018; gnomAD exomes 0.00021.
gnomAD v4.1: 313 of 1,580,250 alleles (0.02%); highest among the groups gnomAD compares: Non-Finnish European, 0.025%; no homozygotes.

Submission:

PreventionGenetics, part of Exact Sciences
Classification: Likely benign for CACNA1I-related condition. Last evaluated: 2022-09-19. Review status: no assertion criteria provided. Collection method: clinical testing. Allele origin: germline.
Comment: This variant is classified as likely benign based on ACMG/AMP sequence variant interpretation guidelines (Richards et al. 2015 PMID: 25741868, with internal and published modifications).

NM_021096.4(CACNA1I):c.2376G>A (p.Thr792=)

Gene: CACNA1I (calcium voltage-gated channel subunit alpha1 I; plus strand). Cytogenetic location: 22q13.1.
Variant type: single nucleotide variant.
Coding change: c.2376G>A on transcript NM_021096.4 (MANE Select); coding-DNA position 2376, G replaced by A.
Protein change: p.Thr792=; no amino-acid change (threonine 792 retained).
Molecular consequence: synonymous variant.
Genome position (GRCh38, 1-based): chr22:39,659,478, G>A. VCF-style: chr22-39659478-G-A. GRCh37 (hg19) VCF-style: chr22-40055483-G-A.
Other names: c.2271G>A, p.Thr757= (NM_001003406.2).
Identifiers: ClinVar variation 3054475 (VCV003054475.2), dbSNP rs374658074, ClinGen allele CA10244150.
Genomic context (GRCh38, chr22:39,659,478, plus strand): 5'-CCATCCTTTCCCCAGCATCCTTGGGATGCATATTTTTGGCTGCAAGTTCAGCCTCCGCAC[G>A]GACACTGGAGACACGGTGCCCGACAGGAAGAACTTCGACTCCCTGCTGTGGGCCATCGTC-3'
Protein context (NP_066919.2, residues 782-802): HIFGCKFSLR[Thr792=]DTGDTVPDRK